The following is an entry in ClinVar:

ClinVar aggregate classification (germline): Likely benign (1 of 4 stars; one submission).

Allele frequency attached by ClinVar (database versions not stated): gnomAD exomes 0.00001; TOPMed 0.00001; ExAC 0.00002; gnomAD 0.00002; ESP Exome Variant Server 0.00008.
gnomAD v4.1: 16 of 1,613,390 alleles (0.00099%); highest among the groups gnomAD compares: Non-Finnish European, 0.0014%; no homozygotes.

Submission:

CeGaT Center for Human Genetics Tuebingen
Classification: Likely benign. Last evaluated: 2022-04-01. Review status: criteria provided, single submitter. Criteria: CeGaT Center For Human Genetics Tuebingen Variant Classification Criteria Version 2. Collection method: clinical testing. Allele origin: germline. Affected: yes. Observed: 1 variant allele.
Comment: SMO: BP4, BP7

NM_005631.5(SMO):c.2196G>A (p.Leu732=)

Gene: SMO (smoothened, frizzled class receptor; plus strand). Cytogenetic location: 7q32.1.
Variant type: single nucleotide variant.
Coding change: c.2196G>A on transcript NM_005631.5 (MANE Select); coding-DNA position 2196, G replaced by A.
Protein change: p.Leu732=; no amino-acid change (leucine 732 retained).
Molecular consequence: synonymous variant.
Genome position (GRCh38, 1-based): chr7:129,212,283, G>A. VCF-style: chr7-129212283-G-A. GRCh37 (hg19) VCF-style: chr7-128852124-G-A.
Identifiers: ClinVar variation 2657995 (VCV002657995.24), dbSNP rs370396412, ClinGen allele CA4479630.
Genomic context (GRCh38, chr7:129,212,283, plus strand): 5'-CCTGGTGGCTGCAGGTGCCTGGGGAGCTGGGGACTCTTGCCGACAGGGAGCGTGGACCCT[G>A]GTCTCCAACCCATTCTGCCCAGAGCCCAGTCCCCCTCAGGATCCATTTCTGCCCAGTGCA-3'
Protein context (NP_005622.1, residues 722-742): GDSCRQGAWT[Leu732=]VSNPFCPEPS